The following is an entry in ClinVar:

NM_020549.5(CHAT):c.463T>C (p.Ser155Pro)

Gene: CHAT (choline O-acetyltransferase; plus strand). Cytogenetic location: 10q11.23.
Variant type: single nucleotide variant.
Coding change: c.463T>C on transcript NM_020549.5 (MANE Select); coding-DNA position 463, T replaced by C.
Protein change: p.Ser155Pro; replaces serine 155 with proline.
Molecular consequence: missense variant.
Genome position (GRCh38, 1-based): chr10:49,619,800, T>C. VCF-style: chr10-49619800-T-C. GRCh37 (hg19) VCF-style: chr10-50827846-T-C.
Other names: c.109T>C, p.Ser37Pro (NM_001142929.2, NM_001142934.2, NM_020984.4 and 2 more transcripts); c.217T>C, p.Ser73Pro (NM_001142933.2); short protein forms S155P, S37P, S73P.
Identifiers: ClinVar variation 1419116 (VCV001419116.6), dbSNP rs1838634644, ClinGen allele CA376726843.

ClinVar aggregate classification (germline): Uncertain significance (1 of 4 stars; one submission).

Conditions:
Familial infantile myasthenia (CMS6). Also called: MYASTHENIC SYNDROME, CONGENITAL, 6, PRESYNAPTIC; MYASTHENIC SYNDROME, PRESYNAPTIC, CONGENITAL, ASSOCIATED WITH EPISODIC APNEA; Congenital myasthenic syndrome type 6. Identifiers: Orphanet 590, MedGen C0393929, MONDO:0009689, OMIM 254210.

Submission:

Labcorp Genetics (formerly Invitae), Labcorp
Classification: Uncertain significance for Familial infantile myasthenia. Last evaluated: 2022-03-11. Review status: criteria provided, single submitter. Criteria: Invitae Variant Classification Sherloc (09022015). Collection method: clinical testing. Allele origin: germline.
Comment: In summary, the available evidence is currently insufficient to determine the role of this variant in disease. Therefore, it has been classified as a Variant of Uncertain Significance. Advanced modeling of protein sequence and biophysical properties (such as structural, functional, and spatial information, amino acid conservation, physicochemical variation, residue mobility, and thermodynamic stability) performed at Invitae indicates that this missense variant is not expected to disrupt CHAT protein function. This variant has not been reported in the literature in individuals affected with CHAT-related conditions. This variant is not present in population databases (gnomAD no frequency). This sequence change replaces serine, which is neutral and polar, with proline, which is neutral and non-polar, at codon 155 of the CHAT protein (p.Ser155Pro).